The following is an entry in ClinVar:

NM_020461.4(TUBGCP6):c.3037G>T (p.Ala1013Ser)

Gene: TUBGCP6 (tubulin gamma complex component 6; minus strand). Cytogenetic location: 22q13.33.
Variant type: single nucleotide variant.
Coding change: c.3037G>T on transcript NM_020461.4 (MANE Select); coding-DNA position 3037, G replaced by T.
Protein change: p.Ala1013Ser; replaces alanine 1013 with serine.
Molecular consequence: missense variant.
Genome position (GRCh38, 1-based): chr22:50,221,322, C>A on the plus strand (G>T on the coding strand, the complement: TUBGCP6 is on the minus strand). VCF-style: chr22-50221322-C-A. GRCh37 (hg19) VCF-style: chr22-50659751-C-A.
Other names: short protein forms A1013S.
Identifiers: ClinVar variation 2110805 (VCV002110805.4), dbSNP rs1436171187, ClinGen allele CA412185319.
Genomic context (GRCh38, chr22:50,221,322, plus strand): 5'-CACCCCCTGACACCTGCCCAAAGAGCCGCTCTGTGGGCTGGCTGCTCCCCTCCTCCAGAG[C>A]AGCACGCCTGGGTGGGTGTGAGGGGAGCAGAGTCTCCCGCGAGGCGGAGCCACAGGCATC-3'
Protein context (NP_065194.3, residues 1003-1023): LLPSHPPRRA[Ala1013Ser]LEEGSSQPTE

ClinVar aggregate classification (germline): Uncertain significance (1 of 4 stars; one submission).

Submission:

Labcorp Genetics (formerly Invitae), Labcorp
Classification: Uncertain significance. Last evaluated: 2022-03-13. Review status: criteria provided, single submitter. Criteria: Invitae Variant Classification Sherloc (09022015). Collection method: clinical testing. Allele origin: germline.
Comment: In summary, the available evidence is currently insufficient to determine the role of this variant in disease. Therefore, it has been classified as a Variant of Uncertain Significance. Algorithms developed to predict the effect of missense changes on protein structure and function output the following: SIFT: "Deleterious"; PolyPhen-2: "Benign"; Align-GVGD: "Class C0". The serine amino acid residue is found in multiple mammalian species, which suggests that this missense change does not adversely affect protein function. This variant has not been reported in the literature in individuals affected with TUBGCP6-related conditions. This variant is not present in population databases (gnomAD no frequency). This sequence change replaces alanine, which is neutral and non-polar, with serine, which is neutral and polar, at codon 1013 of the TUBGCP6 protein (p.Ala1013Ser).